The following is an entry in ClinVar:

ClinVar aggregate classification (germline): Uncertain significance (1 of 4 stars; one submission).

Conditions:
MSX2-related disorder. Also called: MSX2-related condition.

Submission:

PreventionGenetics, part of Exact Sciences
Classification: Uncertain significance for MSX2-related condition. Last evaluated: 2023-09-24. Review status: criteria provided, single submitter. Criteria: ACMG Guidelines, 2015. Collection method: clinical testing. Allele origin: germline.
Comment: The MSX2 c.721C>G variant is predicted to result in the amino acid substitution p.Pro241Ala. To our knowledge, this variant has not been reported in the literature or in a large population database, indicating this variant is rare. At this time, the clinical significance of this variant is uncertain due to the absence of conclusive functional and genetic evidence.

NM_002449.5(MSX2):c.721C>G (p.Pro241Ala)

Gene: MSX2 (msh homeobox 2; plus strand). Cytogenetic location: 5q35.2.
Variant type: single nucleotide variant.
Coding change: c.721C>G on transcript NM_002449.5 (MANE Select); coding-DNA position 721, C replaced by G.
Protein change: p.Pro241Ala; replaces proline 241 with alanine.
Molecular consequence: missense variant. On other transcripts: 3 prime UTR variant (1).
Genome position (GRCh38, 1-based): chr5:174,729,500, C>G. VCF-style: chr5-174729500-C-G. GRCh37 (hg19) VCF-style: chr5-174156503-C-G.
Other names: c.*345C>G (NM_001363626.2); short protein forms P241A.
Identifiers: ClinVar variation 2630720 (VCV002630720.1), dbSNP rs2480603698, ClinGen allele CA362230488.